The following is an entry in ClinVar:

ClinVar aggregate classification (germline): Uncertain significance (1 of 4 stars; one submission).

Conditions:
Hereditary cancer-predisposing syndrome. Also called: Tumor predisposition; Hereditary neoplastic syndrome; Hereditary Cancer Syndrome; Neoplastic Syndromes, Hereditary. Identifiers: Orphanet 140162, MedGen C0027672, MeSH D009386, MONDO:0015356.

gnomAD v4.1: 2 of 1,613,692 alleles (0.00012%); highest among the groups gnomAD compares: Non-Finnish European, 0.00017%; no homozygotes.

Submission:

Ambry Genetics
Classification: Uncertain significance for Hereditary cancer-predisposing syndrome. Last evaluated: 2025-04-17. Review status: criteria provided, single submitter. Criteria: Ambry Variant Classification Scheme 2023. Collection method: clinical testing. Allele origin: germline.
Comment: The p.I2199V variant (also known as c.6595A>G), located in coding exon 47 of the POLE gene, results from an A to G substitution at nucleotide position 6595. The isoleucine at codon 2199 is replaced by valine, an amino acid with highly similar properties. This amino acid position is conserved. In addition, this alteration is predicted to be tolerated by in silico analysis. Based on the available evidence, the clinical significance of this variant remains unclear.

NM_006231.4(POLE):c.6595A>G (p.Ile2199Val)

Gene: POLE (DNA polymerase epsilon, catalytic subunit; minus strand). Cytogenetic location: 12q24.33.
Variant type: single nucleotide variant.
Coding change: c.6595A>G on transcript NM_006231.4 (MANE Select); coding-DNA position 6595, A replaced by G.
Protein change: p.Ile2199Val; replaces isoleucine 2199 with valine.
Molecular consequence: missense variant.
Genome position (GRCh38, 1-based): chr12:132,625,707, T>C on the plus strand (A>G on the coding strand, the complement: POLE is on the minus strand). VCF-style: chr12-132625707-T-C. GRCh37 (hg19) VCF-style: chr12-133202293-T-C.
Other names: short protein forms I2199V.
Identifiers: ClinVar variation 3935731 (VCV003935731.1).